The following is an entry in ClinVar:

NM_004655.4(AXIN2):c.668G>A (p.Gly223Asp)

Gene: AXIN2 (axin 2; minus strand). Cytogenetic location: 17q24.1.
Variant type: single nucleotide variant.
Coding change: c.668G>A on transcript NM_004655.4 (MANE Select); coding-DNA position 668, G replaced by A.
Protein change: p.Gly223Asp; replaces glycine 223 with aspartic acid.
Molecular consequence: missense variant.
Genome position (GRCh38, 1-based): chr17:65,557,953, C>T on the plus strand (G>A on the coding strand, the complement: AXIN2 is on the minus strand). VCF-style: chr17-65557953-C-T. GRCh37 (hg19) VCF-style: chr17-63554071-C-T.
Other names: c.668G>A, p.Gly223Asp (NM_001363813.1); short protein forms G223D.
Identifiers: ClinVar variation 5032597 (VCV005032597.1).

ClinVar aggregate classification (germline): Uncertain significance (1 of 4 stars; one submission).

Conditions:
Hereditary cancer-predisposing syndrome. Also called: Neoplastic Syndromes, Hereditary; Tumor predisposition; Hereditary neoplastic syndrome; Hereditary Cancer Syndrome. Identifiers: Orphanet 140162, MedGen C0027672, MeSH D009386, MONDO:0015356.

Submission:

Ambry Genetics
Classification: Uncertain significance for Hereditary cancer-predisposing syndrome. Last evaluated: 2026-07-07. Review status: criteria provided, single submitter. Criteria: Ambry Variant Classification Scheme 2023. Collection method: clinical testing. Allele origin: germline.
Comment: The p.G223D variant (also known as c.668G>A), located in coding exon 1 of the AXIN2 gene, results from a G to A substitution at nucleotide position 668. The glycine at codon 223 is replaced by aspartic acid, an amino acid with similar properties. This amino acid position is conserved. In addition, this alteration is predicted to be deleterious by in silico analysis. Based on the available evidence, the clinical significance of this variant remains unclear.